The following is an entry in ClinVar:

ClinVar aggregate classification (germline): Uncertain significance (1 of 4 stars; one submission).

Submission:

Labcorp Genetics (formerly Invitae), Labcorp
Classification: Uncertain significance. Last evaluated: 2025-04-07. Review status: criteria provided, single submitter. Criteria: Invitae Variant Classification Sherloc (09022015). Collection method: clinical testing. Allele origin: germline.
Comment: This sequence change replaces valine, which is neutral and non-polar, with glutamic acid, which is acidic and polar, at codon 778 of the VAV1 protein (p.Val778Glu). This variant is not present in population databases (gnomAD no frequency). This variant has not been reported in the literature in individuals affected with VAV1-related conditions. ClinVar contains an entry for this variant (Variation ID: 1404187). An algorithm developed to predict the effect of missense changes on protein structure and function (PolyPhen-2) suggests that this variant is likely to be tolerated. In summary, the available evidence is currently insufficient to determine the role of this variant in disease. Therefore, it has been classified as a Variant of Uncertain Significance.

NM_005428.4(VAV1):c.2333T>A (p.Val778Glu)

Gene: VAV1 (vav guanine nucleotide exchange factor 1; plus strand). Cytogenetic location: 19p13.3.
Variant type: single nucleotide variant.
Coding change: c.2333T>A on transcript NM_005428.4 (MANE Select); coding-DNA position 2333, T replaced by A.
Protein change: p.Val778Glu; replaces valine 778 with glutamic acid.
Molecular consequence: missense variant.
Genome position (GRCh38, 1-based): chr19:6,853,947, T>A. VCF-style: chr19-6853947-T-A. GRCh37 (hg19) VCF-style: chr19-6853958-T-A.
Other names: c.2267T>A, p.Val756Glu (NM_001258206.2); c.2237T>A, p.Val746Glu (NM_001258207.2); short protein forms V756E, V746E, V778E.
Identifiers: ClinVar variation 1404187 (VCV001404187.8), dbSNP rs2144835300, ClinGen allele CA403637559.
Genomic context (GRCh38, chr19:6,853,947, plus strand): 5'-CCAGAGAGTGAGTGGGTATCTGCCCCAGACCCTTTTCTCACTTCTGTTCTCTCTCCACAG[T>A]GGGAAGCACAAAGTATTTTGGCACAGCCAAAGCCCGCTATGACTTCTGCGCCCGAGACCG-3'
Protein context (NP_005419.2, residues 768-788): PEKRTISRPA[Val778Glu]GSTKYFGTAK